The following is an entry in ClinVar:

ClinVar aggregate classification (germline): Uncertain significance (1 of 4 stars; one submission).

Conditions:
Diffuse cerebral and cerebellar atrophy - intractable seizures - progressive microcephaly syndrome. Also called: Microcephaly, progressive, with seizures and cerebral and cerebellar atrophy. Identifiers: Orphanet 404437, MedGen C4014239, MONDO:0014335, OMIM 615760.

Submission:

Labcorp Genetics (formerly Invitae), Labcorp
Classification: Uncertain significance for Diffuse cerebral and cerebellar atrophy - intractable seizures - progressive microcephaly syndrome. Last evaluated: 2022-03-04. Review status: criteria provided, single submitter. Criteria: Invitae Variant Classification Sherloc (09022015). Collection method: clinical testing. Allele origin: germline.
Comment: In summary, the available evidence is currently insufficient to determine the role of this variant in disease. Therefore, it has been classified as a Variant of Uncertain Significance. Variants that disrupt the consensus splice site are a relatively common cause of aberrant splicing (PMID: 17576681, 9536098). Algorithms developed to predict the effect of sequence changes on RNA splicing suggest that this variant is not likely to affect RNA splicing. This variant has not been reported in the literature in individuals affected with QARS-related conditions. This variant is present in population databases (no rsID available, gnomAD 0.009%). This sequence change falls in intron 15 of the QARS gene. It does not directly change the encoded amino acid sequence of the QARS protein. It affects a nucleotide within the consensus splice site.

Literature cited by the submitters: PubMed 17576681; PubMed 9536098.

NM_005051.3(QARS1):c.1389-3C>T

Gene: QARS1 (glutaminyl-tRNA synthetase 1; minus strand). Cytogenetic location: 3p21.31.
Variant type: single nucleotide variant.
Coding change: c.1389-3C>T on transcript NM_005051.3 (MANE Select); 3 bases into the intron before coding-DNA position 1389, C replaced by T.
Molecular consequence: intron variant.
Genome position (GRCh38, 1-based): chr3:49,099,650, G>A on the plus strand (C>T on the coding strand, the complement: QARS1 is on the minus strand). VCF-style: chr3-49099650-G-A. GRCh37 (hg19) VCF-style: chr3-49137083-G-A.
Other names: c.1356-3C>T (NM_001272073.2).
Identifiers: ClinVar variation 2191904 (VCV002191904.2), dbSNP rs368358627, ClinGen allele CA543047833.